The following is an entry in ClinVar:

ClinVar aggregate classification (germline): Uncertain significance (1 of 4 stars; one submission).

gnomAD v4.1: 6 of 1,614,118 alleles (0.00037%); highest among the groups gnomAD compares: African/African-American, 0.0013%; no homozygotes.

Submission:

Labcorp Genetics (formerly Invitae), Labcorp
Classification: Uncertain significance. Last evaluated: 2022-10-25. Review status: criteria provided, single submitter. Criteria: Invitae Variant Classification Sherloc (09022015). Collection method: clinical testing. Allele origin: germline.
Comment: This variant has not been reported in the literature in individuals affected with ATRIP-related conditions. This sequence change creates a premature translational stop signal (p.Ser731*) in the ATRIP gene. It is expected to result in an absent or disrupted protein product. However, the current clinical and genetic evidence is not sufficient to establish whether loss-of-function variants in ATRIP cause disease. This variant is present in population databases (no rsID available, gnomAD 0.007%). In summary, the available evidence is currently insufficient to determine the role of this variant in disease. Therefore, it has been classified as a Variant of Uncertain Significance.

NM_130384.3(ATRIP):c.2192C>A (p.Ser731Ter)

Genes: ATRIP (ATR interacting protein; plus strand), ATRIP-TREX1 (ATRIP-TREX1 readthrough; plus strand). Cytogenetic location: 3p21.31.
Variant type: single nucleotide variant.
Coding change: c.2192C>A on transcript NM_130384.3 (MANE Select); coding-DNA position 2192, C replaced by A.
Protein change: p.Ser731Ter; replaces serine 731 with a stop codon.
Molecular consequence: nonsense. On other transcripts: non-coding transcript variant (1).
Genome position (GRCh38, 1-based): chr3:48,464,967, C>A. VCF-style: chr3-48464967-C-A. GRCh37 (hg19) VCF-style: chr3-48506366-C-A.
Other names: c.1811C>A, p.Ser604Ter (NM_001271022.2); c.1913C>A, p.Ser638Ter (NM_001271023.2); c.2111C>A, p.Ser704Ter (NM_032166.4); short protein forms S704*, S731*, S638*, S604*.
Identifiers: ClinVar variation 2994724 (VCV002994724.3), dbSNP rs200785749, ClinGen allele CA352614944.